The following is an entry in ClinVar:

NM_002474.3(MYH11):c.3967C>T (p.Leu1323=)

Genes: NDE1 (nudE neurodevelopment protein 1; plus strand), MYH11 (myosin heavy chain 11; minus strand). Cytogenetic location: 16p13.11.
Variant type: single nucleotide variant.
Coding change: c.3967C>T on transcript NM_002474.3 (MANE Select); coding-DNA position 3967, C replaced by T.
Protein change: p.Leu1323=; no amino-acid change (leucine 1323 retained).
Molecular consequence: synonymous variant. On other transcripts: 3 prime UTR variant (2).
Genome position (GRCh38, 1-based): chr16:15,724,796, G>A on the plus strand (C>T on the coding strand, the complement: MYH11 is on the minus strand). VCF-style: chr16-15724796-G-A. GRCh37 (hg19) VCF-style: chr16-15818653-G-A.
Other names: p.L1323L:CTG>TTG; p.Leu1330=; c.3988C>T, p.Leu1330= (NM_001040113.2, NM_001040114.2); c.3967C>T, p.Leu1323= (NM_022844.3); c.*545G>A (NM_001143979.2, NM_017668.3).
Identifiers: ClinVar variation 138338 (VCV000138338.42), dbSNP rs12907, ClinGen allele CA292294.

ClinVar aggregate classification (germline): Benign. Review status: criteria provided, multiple submitters, no conflicts (2 of 4 stars). 14 submissions from 12 submitters: Benign (14). Last evaluated 2026-02-04.

Conditions:
Aortic aneurysm, familial thoracic 4 (AAT4). Also called: AORTIC ANEURYSM/AORTIC DISSECTION AND PATENT DUCTUS ARTERIOSUS. Identifiers: MedGen C1851504, MONDO:0007568, OMIM 132900.
Cardiovascular phenotype. Identifiers: MedGen CN230736.
Familial thoracic aortic aneurysm and aortic dissection (TAAD). Also called: Thoracic aortic aneurysms and dissections. Identifiers: Orphanet 91387, MedGen C4707243, MONDO:0019625.
Lissencephaly 4 (LIS4). Also called: Lissencephaly 4 (with microcephaly). Identifiers: Orphanet 1083, MedGen C3151461, MONDO:0013527, OMIM 614019.

Allele frequency attached by ClinVar (database versions not stated): gnomAD exomes 0.02286 and 0.03582; ExAC 0.03945; gnomAD 0.08554 and 0.08987; TOPMed 0.09212; ESP Exome Variant Server 0.09220; 1000 Genomes Project 0.10164; 1000 Genomes Project 30x 0.10681.
gnomAD v4.1: 46,990 of 1,613,774 alleles (2.9%); highest among the groups gnomAD compares: African/African-American, 26%; 2,817 homozygotes.

Submissions (14):

Labcorp Genetics (formerly Invitae), Labcorp
Classification: Benign for Aortic aneurysm, familial thoracic 4. Last evaluated: 2026-02-04. Review status: criteria provided, single submitter. Criteria: Invitae Variant Classification Sherloc (09022015). Collection method: clinical testing. Allele origin: germline.

ARUP Laboratories, Molecular Genetics and Genomics, ARUP Laboratories
Classification: Benign. Last evaluated: 2025-07-29. Review status: criteria provided, single submitter. Criteria: ARUP Molecular Germline Variant Investigation Process 2024. Collection method: clinical testing. Allele origin: germline.

Molecular Diagnostic Laboratory for Inherited Cardiovascular Disease, Montreal Heart Institute
Classification: Benign. Last evaluated: 2025-04-09. Review status: criteria provided, single submitter. Criteria: ACMG Guidelines, 2015. Collection method: clinical testing. Allele origin: germline. Affected: no.

All of Us Research Program, National Institutes of Health
Classification: Benign for Familial thoracic aortic aneurysm and aortic dissection. Last evaluated: 2024-02-05. Review status: criteria provided, single submitter. Criteria: ACMG Guidelines, 2015. Collection method: clinical testing. Allele origin: germline. Inheritance: Autosomal dominant inheritance. Observed: 6,769 variant alleles, 6,307 heterozygotes, 462 homozygotes.
Comment: This study involves interpretation of variants in research participants for the purpose of population health screening. Participant phenotype was not available at the time of variant classification. Additional details can be found in publication PMID: 35346344, PMCID: PMC8962531

Color Diagnostics, LLC DBA Color Health
Classification: Benign for Familial thoracic aortic aneurysm and aortic dissection. Last evaluated: 2018-03-16. Review status: criteria provided, single submitter. Criteria: ACMG Guidelines, 2015. Collection method: clinical testing. Allele origin: germline.

Illumina Laboratory Services, Illumina
Classification: Benign for Aortic aneurysm, familial thoracic 4. Last evaluated: 2018-01-13. Review status: criteria provided, single submitter. Criteria: ICSL Variant Classification Criteria 13 December 2019. Collection method: clinical testing. Allele origin: germline.
Comment: This variant was observed in the ICSL laboratory as part of a predisposition screen in an ostensibly healthy population. It had not been previously curated by ICSL or reported in the Human Gene Mutation Database (HGMD: prior to June 1st, 2018), and was therefore a candidate for classification through an automated scoring system. Utilizing variant allele frequency, disease prevalence and penetrance estimates, and inheritance mode, an automated score was calculated to assess if this variant is too frequent to cause the disease. Based on the score and internal cut-off values, a variant classified as benign is not then subjected to further curation. The score for this variant resulted in a classification of benign for this disease.

Illumina Laboratory Services, Illumina
Classification: Benign for Lissencephaly 4. Last evaluated: 2018-01-12. Review status: criteria provided, single submitter. Criteria: ICSL Variant Classification Criteria 13 December 2019. Collection method: clinical testing. Allele origin: germline.
Comment: the same text as in the submission from Illumina Laboratory Services, Illumina above.

Ambry Genetics
Classification: Benign for Familial thoracic aortic aneurysm and aortic dissection. Last evaluated: 2015-07-07. Review status: criteria provided, single submitter. Criteria: Ambry Autosomal Dominant and X-Linked criteria (10/2015). Collection method: clinical testing. Allele origin: germline. Observed: 1 variant allele.
Comment: General population or subpopulation frequency is too high to be a pathogenic mutation based on disease/syndrome prevalence and penetrance

Ambry Genetics
Classification: Benign for Cardiovascular phenotype. Last evaluated: 2014-11-25. Review status: criteria provided, single submitter. Criteria: Ambry Autosomal Dominant and X-Linked criteria (10/2015). Collection method: clinical testing. Allele origin: germline. Observed: 1 variant allele.

Mayo Clinic Laboratories, Mayo Clinic
Classification: Benign. Last evaluated: 2014-02-05. Review status: criteria provided, single submitter. Criteria: ACMG Guidelines, 2015. Collection method: clinical testing. Allele origin: germline. Observed: 70 variant alleles.

GeneDx
Classification: Benign. Last evaluated: 2013-09-19. Review status: criteria provided, single submitter. Criteria: GeneDx Variant Classification (06012015). Collection method: clinical testing. Allele origin: germline. Affected: yes.
Comment: This variant is considered likely benign or benign based on one or more of the following criteria: it is a conservative change, it occurs at a poorly conserved position in the protein, it is predicted to be benign by multiple in silico algorithms, and/or has population frequency not consistent with disease.

Laboratory for Molecular Medicine, Mass General Brigham Personalized Medicine
Classification: Benign. Last evaluated: 2013-04-04. Review status: criteria provided, single submitter. Criteria: LMM Criteria. Collection method: clinical testing. Allele origin: germline. Observed: 1 variant allele.
Comment: Leu1330Leu in exon 31 of MYH11: This variant is not expected to have clinical si gnificance because it does not alter an amino acid residue and is not located wi thin the splice consensus sequence. It has been identified in 24.3% (1068/4394) of African American chromosomes from a broad population by the NHLBI Exome Seque ncing Project (dbSNP rs12907).

Breakthrough Genomics
Classification: Benign. Review status: criteria provided, single submitter. Criteria: ACMG Guidelines, 2015. Collection method: not provided. Allele origin: germline. Inheritance: Autosomal recessive inheritance. Affected: yes.

PreventionGenetics, part of Exact Sciences
Classification: Benign. Review status: criteria provided, single submitter. Criteria: ACMG Guidelines, 2015. Collection method: clinical testing. Allele origin: germline.